The following is an entry in ClinVar:

NM_003803.4(MYOM1):c.1861T>C (p.Trp621Arg)

Gene: MYOM1 (myomesin 1; minus strand). Cytogenetic location: 18p11.31.
Variant type: single nucleotide variant.
Coding change: c.1861T>C on transcript NM_003803.4 (MANE Select); coding-DNA position 1861, T replaced by C.
Protein change: p.Trp621Arg; replaces tryptophan 621 with arginine.
Molecular consequence: missense variant.
Genome position (GRCh38, 1-based): chr18:3,149,184, A>G on the plus strand (T>C on the coding strand, the complement: MYOM1 is on the minus strand). VCF-style: chr18-3149184-A-G. GRCh37 (hg19) VCF-style: chr18-3149182-A-G.
Other names: c.1861T>C, p.Trp621Arg (NM_019856.2); short protein forms W621R.
Identifiers: ClinVar variation 2560339 (VCV002560339.2), dbSNP rs1446451391, ClinGen allele CA401713939.
Genomic context (GRCh38, chr18:3,149,184, plus strand): 5'-TGGGGCAACCAGACTTCTTACCTGAAGGTTCCTCTTCAGTAACAATGATCTGTCCAGTCC[A>G]GGGTGCTGAGGGGCGACCTGAATAAAGACAAATATAAGAATCACAAACGTTTACAAGTGT-3'
Protein context (NP_003794.3, residues 611-631): ARLKSRPSAP[Trp621Arg]TGQIIVTEEE

ClinVar aggregate classification (germline): Uncertain significance (1 of 4 stars; one submission).

Allele frequency attached by ClinVar (database versions not stated): TOPMed below 0.00001; gnomAD 0.00001; gnomAD exomes 0.00003.
gnomAD v4.1: 47 of 1,612,422 alleles (0.0029%); highest among the groups gnomAD compares: Non-Finnish European, 0.0038%; no homozygotes.

Submission:

Ambry Genetics
Classification: Uncertain significance. Last evaluated: 2023-04-07. Review status: criteria provided, single submitter. Criteria: Ambry Variant Classification Scheme 2023. Collection method: clinical testing. Allele origin: germline.
Comment: The p.W621R variant (also known as c.1861T>C), located in coding exon 12 of the MYOM1 gene, results from a T to C substitution at nucleotide position 1861. The tryptophan at codon 621 is replaced by arginine, an amino acid with dissimilar properties. This amino acid position is conserved. In addition, the in silico prediction for this alteration is inconclusive. Since supporting evidence is limited at this time, the clinical significance of this alteration remains unclear.